The following is an entry in ClinVar:

ClinVar aggregate classification (germline): Uncertain significance (1 of 4 stars; one submission).

Allele frequency attached by ClinVar (database versions not stated): gnomAD 0.00001; gnomAD exomes 0.00001 and 0.00002; TOPMed 0.00001; ExAC 0.00002.
gnomAD v4.1: 23 of 1,613,532 alleles (0.0014%); highest among the groups gnomAD compares: South Asian, 0.0066%; no homozygotes.

Submission:

Labcorp Genetics (formerly Invitae), Labcorp
Classification: Uncertain significance. Last evaluated: 2023-02-14. Review status: criteria provided, single submitter. Criteria: Invitae Variant Classification Sherloc (09022015). Collection method: clinical testing. Allele origin: germline.
Comment: This sequence change replaces arginine, which is basic and polar, with cysteine, which is neutral and slightly polar, at codon 1006 of the ERBB2 protein (p.Arg1006Cys). This variant is present in population databases (rs780434636, gnomAD 0.007%). This variant has not been reported in the literature in individuals affected with ERBB2-related conditions. ClinVar contains an entry for this variant (Variation ID: 862185). Advanced modeling of protein sequence and biophysical properties (such as structural, functional, and spatial information, amino acid conservation, physicochemical variation, residue mobility, and thermodynamic stability) performed at Invitae indicates that this missense variant is not expected to disrupt ERBB2 protein function. In summary, the available evidence is currently insufficient to determine the role of this variant in disease. Therefore, it has been classified as a Variant of Uncertain Significance.

NM_004448.4(ERBB2):c.3016C>T (p.Arg1006Cys)

Gene: ERBB2 (erb-b2 receptor tyrosine kinase 2; plus strand). Cytogenetic location: 17q12.
Variant type: single nucleotide variant.
Coding change: c.3016C>T on transcript NM_004448.4 (MANE Select); coding-DNA position 3016, C replaced by T.
Protein change: p.Arg1006Cys; replaces arginine 1006 with cysteine.
Molecular consequence: missense variant. On other transcripts: non-coding transcript variant (1), intron variant (1).
Genome position (GRCh38, 1-based): chr17:39,726,860, C>T. VCF-style: chr17-39726860-C-T. GRCh37 (hg19) VCF-style: chr17-37883113-C-T.
Other names: c.2926C>T, p.Arg976Cys (NM_001005862.3, NM_001382782.1, NM_001382783.1); c.2971C>T, p.Arg991Cys (NM_001289936.2); c.3016C>T, p.Arg1006Cys (NM_001289937.2, NM_001382796.1); c.3133C>T, p.Arg1045Cys (NM_001382784.1); c.3118C>T, p.Arg1040Cys (NM_001382785.1); c.3097C>T, p.Arg1033Cys (NM_001382786.1); c.3091C>T, p.Arg1031Cys (NM_001382787.1); c.3046C>T, p.Arg1016Cys (NM_001382788.1); and 15 more; short protein forms R991C, R1006C, R976C, R1003C, R1005C, R1013C, R1016C, R1031C.
Identifiers: ClinVar variation 862185 (VCV000862185.9), dbSNP rs780434636, ClinGen allele CA8534449.